The following is an entry in ClinVar:

ClinVar aggregate classification (germline): Uncertain significance. Review status: criteria provided, multiple submitters, no conflicts (2 of 4 stars). 2 submissions from 2 submitters: Uncertain significance (2). Last evaluated 2024-07-26.

Conditions:
Pelviscapular dysplasia. Identifiers: Orphanet 93333, MedGen C1850040, MONDO:0009845, OMIM 260660.

Allele frequency attached by ClinVar (database versions not stated): gnomAD exomes 0.00001.
gnomAD v4.1: 7 of 1,613,586 alleles (0.00043%); highest among the groups gnomAD compares: Middle Eastern, 0.12%; no homozygotes.

Submissions (2):

Women's Health and Genetics/Laboratory Corporation of America, LabCorp
Classification: Uncertain significance. Last evaluated: 2024-07-26. Review status: criteria provided, single submitter. Criteria: LabCorp Variant Classification Summary - May 2015. Collection method: clinical testing. Allele origin: germline.
Comment: Variant summary: TBX15 c.625A>G (p.Ile209Val) results in a conservative amino acid change located in the T-box transcription factor, DNA-binding domain (IPR046360) of the encoded protein sequence. Two of four in-silico tools predict a benign effect of the variant on protein function. The variant was absent in 250920 control chromosomes. The available data on variant occurrences in the general population are insufficient to allow any conclusion about variant significance. To our knowledge, no occurrence of c.625A>G in individuals affected with Pelviscapular Dysplasia and no experimental evidence demonstrating its impact on protein function have been reported. ClinVar contains an entry for this variant (Variation ID: 1029193). Based on the evidence outlined above, the variant was classified as uncertain significance.

Baylor Genetics
Classification: Uncertain significance for Pelviscapular dysplasia. Last evaluated: 2020-05-05. Review status: criteria provided, single submitter. Criteria: ACMG Guidelines, 2015. Collection method: clinical testing. Allele origin: unknown. Affected: yes.
Comment: This variant was determined to be of uncertain significance according to ACMG Guidelines, 2015 [PMID:25741868].

NM_001330677.2(TBX15):c.943A>G (p.Ile315Val)

Gene: TBX15 (T-box transcription factor 15; minus strand). Cytogenetic location: 1p12.
Variant type: single nucleotide variant.
Coding change: c.943A>G on transcript NM_001330677.2 (MANE Select); coding-DNA position 943, A replaced by G.
Protein change: p.Ile315Val; replaces isoleucine 315 with valine.
Molecular consequence: missense variant.
Genome position (GRCh38, 1-based): chr1:118,899,109, T>C on the plus strand (A>G on the coding strand, the complement: TBX15 is on the minus strand). VCF-style: chr1-118899109-T-C. GRCh37 (hg19) VCF-style: chr1-119441732-T-C.
Other names: c.625A>G, p.Ile209Val (NM_152380.3); short protein forms I209V, I315V.
Identifiers: ClinVar variation 1029193 (VCV001029193.2), dbSNP rs867929526, ClinGen allele CA30361602.
Genomic context (GRCh38, chr1:118,899,109, plus strand): 5'-TGAAGTCTTCGAAGGTGAGTGTGCGCACAGGAGGTCTCCAGAATGCATATGTCTCCATGA[T>C]GGCTTCAAGTCCAGTTCTGACAAGAGAAAAGCCAGCAAAGGAAGTCATAAATAATTTCAA-3'
Protein context (NP_001317606.1, residues 305-325): SGRNRTGLEA[Ile315Val]METYAFWRPP